The following is an entry in ClinVar:

NM_003000.3(SDHB):c.642+6G>A

Gene: SDHB (succinate dehydrogenase complex iron sulfur subunit B; minus strand). Cytogenetic location: 1p36.13.
Variant type: single nucleotide variant.
Coding change: c.642+6G>A on transcript NM_003000.3 (MANE Select); 6 bases into the intron after coding-DNA position 642, G replaced by A.
Molecular consequence: intron variant.
Genome position (GRCh38, 1-based): chr1:17,023,967, C>T on the plus strand (G>A on the coding strand, the complement: SDHB is on the minus strand). VCF-style: chr1-17023967-C-T. GRCh37 (hg19) VCF-style: chr1-17350462-C-T.
Identifiers: ClinVar variation 1051485 (VCV001051485.5), dbSNP rs1326333007, ClinGen allele CA521037932.

ClinVar aggregate classification (germline): Uncertain significance (1 of 4 stars; one submission).

Conditions:
Pheochromocytoma. Also called: MAX-Related Hereditary Paraganglioma-Pheochromocytoma Syndrome. Identifiers: Orphanet 29072, MedGen C0031511, MONDO:0008233, OMIM 171300, HP:0002666.
Gastrointestinal stromal tumor. Also called: Gastrointestinal stromal tumor, somatic; Gastrointestinal stroma tumor. Identifiers: Orphanet 44890, MedGen C0238198, MeSH D046152, MONDO:0011719, OMIM 606764, HP:0100723.
Pheochromocytoma/paraganglioma syndrome 4. Also called: CAROTID BODY TUMORS AND MULTIPLE EXTRAADRENAL PHEOCHROMOCYTOMAS; SDHB-Related Hereditary Paraganglioma-Pheochromocytoma Syndrome (Paragangliomas 4); Paragangliomas 4; SDHB-Related Hereditary Paraganglioma-Pheochromocytoma Syndrome; PARAGANGLIOMA, FAMILIAL MALIGNANT; PARAGANGLIOMAS, HEREDITARY EXTRAADRENAL. Identifiers: Orphanet 29072, MedGen C1861848, MONDO:0007273, OMIM 115310.

Allele frequency attached by ClinVar (database versions not stated): gnomAD exomes below 0.00001 and 0.00001; TOPMed below 0.00001; gnomAD 0.00001.
gnomAD v4.1: 2 of 1,605,016 alleles (0.00012%); highest among the groups gnomAD compares: African/African-American, 0.0013%; no homozygotes.

Submission:

Labcorp Genetics (formerly Invitae), Labcorp
Classification: Uncertain significance for Gastrointestinal stromal tumor; Pheochromocytoma/paraganglioma syndrome 4; Pheochromocytoma. Last evaluated: 2020-01-29. Review status: criteria provided, single submitter. Criteria: Invitae Variant Classification Sherloc (09022015). Collection method: clinical testing. Allele origin: germline.
Comment: This variant has not been reported in the literature in individuals with SDHB-related conditions. In summary, the available evidence is currently insufficient to determine the role of this variant in disease. Therefore, it has been classified as a Variant of Uncertain Significance. Nucleotide substitutions within the consensus splice site are a relatively common cause of aberrant splicing (PMID: 17576681, 9536098). Algorithms developed to predict the effect of sequence changes on RNA splicing suggest that this variant is not likely to affect RNA splicing, but this prediction has not been confirmed by published transcriptional studies. This variant is not present in population databases (ExAC no frequency). This sequence change falls in intron 6 of the SDHB gene. It does not directly change the encoded amino acid sequence of the SDHB protein, but it affects a nucleotide within the consensus splice site of the intron.

Literature cited by the submitters: PubMed 17576681; PubMed 9536098.